The following is an entry in ClinVar:

NM_001384140.1(PCDH15):c.3228A>G (p.Glu1076=)

Gene: PCDH15 (protocadherin related 15; minus strand). Cytogenetic location: 10q21.1.
Variant type: single nucleotide variant.
Coding change: c.3228A>G on transcript NM_001384140.1 (MANE Select); coding-DNA position 3228, A replaced by G.
Protein change: p.Glu1076=; no amino-acid change (glutamic acid 1076 retained).
Molecular consequence: synonymous variant.
Genome position (GRCh38, 1-based): chr10:53,940,870, T>C on the plus strand (A>G on the coding strand, the complement: PCDH15 is on the minus strand). VCF-style: chr10-53940870-T-C. GRCh37 (hg19) VCF-style: chr10-55700630-T-C.
Other names: c.3162A>G, p.Glu1054= (NM_001142768.2, NM_001142773.2, NM_001354404.2); c.3264A>G, p.Glu1088= (NM_001142769.4); c.3228A>G, p.Glu1076= (NM_001142770.3, NM_001142772.2, NM_001354420.2 and 4 more transcripts); c.3243A>G, p.Glu1081= (NM_001142771.2, NM_001142763.2); c.3249A>G, p.Glu1083= (NM_001354411.2); c.3117A>G, p.Glu1039= (NM_001142767.2); c.3015A>G, p.Glu1005= (NM_001142765.2).
Identifiers: ClinVar variation 1160770 (VCV001160770.33), dbSNP rs1437741307, ClinGen allele CA469493591.

ClinVar aggregate classification (germline): Likely benign. Review status: criteria provided, multiple submitters, no conflicts (2 of 4 stars). 3 submissions from 3 submitters: Likely benign (3). Last evaluated 2025-02-10.

Allele frequency attached by ClinVar (database versions not stated): gnomAD exomes below 0.00001 and 0.00001; TOPMed 0.00001.
gnomAD v4.1: 2 of 1,608,084 alleles (0.00012%); highest among the groups gnomAD compares: South Asian, 0.0022%; no homozygotes.

Submissions (3):

Labcorp Genetics (formerly Invitae), Labcorp
Classification: Likely benign. Last evaluated: 2025-02-10. Review status: criteria provided, single submitter. Criteria: Invitae Variant Classification Sherloc (09022015). Collection method: clinical testing. Allele origin: germline.

CeGaT Center for Human Genetics Tuebingen
Classification: Likely benign. Last evaluated: 2022-12-01. Review status: criteria provided, single submitter. Criteria: CeGaT Center For Human Genetics Tuebingen Variant Classification Criteria Version 2. Collection method: clinical testing. Allele origin: germline. Affected: yes. Observed: 1 variant allele.
Comment: PCDH15: BP4, BP7

Blueprint Genetics
Classification: Likely benign. Last evaluated: 2021-05-06. Review status: criteria provided, single submitter. Criteria: ACMG Guidelines, 2015. Collection method: clinical testing. Allele origin: germline.